The following is an entry in ClinVar:

NM_001267550.2(TTN):c.38708-4T>C

Gene: TTN (titin; minus strand). Cytogenetic location: 2q31.2.
Variant type: single nucleotide variant.
Coding change: c.38708-4T>C on transcript NM_001267550.2 (MANE Select); 4 bases into the intron before coding-DNA position 38708, T replaced by C.
Molecular consequence: intron variant.
Genome position (GRCh38, 1-based): chr2:178,653,325, A>G on the plus strand (T>C on the coding strand, the complement: TTN is on the minus strand). VCF-style: chr2-178653325-A-G. GRCh37 (hg19) VCF-style: chr2-179518052-A-G.
Other names: c.13283-11008T>C (NM_003319.4); c.13859-11008T>C (NM_133437.4); c.13658-11008T>C (NM_133432.3); c.31742-784T>C (NM_133378.4); c.34523-784T>C (NM_001256850.1).
Identifiers: ClinVar variation 238764 (VCV000238764.60), dbSNP rs200819643, ClinGen allele CA1997080.
Genomic context (GRCh38, chr2:178,653,325, plus strand): 5'-TAGGAGGAGCCAAGGGCACTTTCTTTTCAAGGACAACTTCTTTGGGAGCCTCTGGCACTT[A>G]AAAGATATTAGTAAAGTTACATGTAGAGCTATGGAGACTACTAGCAAAATATACAGCAGA-3'

ClinVar aggregate classification (germline): Benign/Likely benign. Review status: criteria provided, multiple submitters, no conflicts (2 of 4 stars). 15 submissions from 12 submitters: Benign (8); Likely benign (4). 3 of the submissions do not count toward it. Last evaluated 2026-05-01.

Conditions:
Dilated cardiomyopathy 1G (CMD1G). Identifiers: Orphanet 154, MedGen C1858763, MONDO:0011400, OMIM 604145.
Autosomal recessive limb-girdle muscular dystrophy type 2J (LGMDR10). Also called: Limb-girdle muscular dystrophy, type 2J; MUSCULAR DYSTROPHY, LIMB-GIRDLE, AUTOSOMAL RECESSIVE 10. Identifiers: Orphanet 140922, MedGen C1837342, MONDO:0012127, OMIM 608807.
Early-onset myopathy with fatal cardiomyopathy (CMYO5). Also called: Salih Myopathy; CONGENITAL MYOPATHY 5 WITH CARDIOMYOPATHY. Identifiers: Orphanet 289377, MedGen C2673677, MONDO:0012714, OMIM 611705. Disease mechanism: loss of function.
Myopathy, myofibrillar, 9, with early respiratory failure (MFM9). Also called: EDSTROM MYOPATHY; MYOPATHY, PROXIMAL, WITH EARLY RESPIRATORY MUSCLE INVOLVEMENT; Hereditary myopathy with early respiratory failure; Myopathy, distal, with early respiratory failure, autosomal dominant. Identifiers: Orphanet 178464, Orphanet 34521, MedGen C1863599, MONDO:0011362, OMIM 603689.
Tibial muscular dystrophy (TMD). Also called: UDD MYOPATHY; Tibial muscular dystrophy, tardive; Udd Distal Myopathy – Tibial Muscular Dystrophy. Identifiers: Orphanet 609, MedGen C1838244, MONDO:0010870, OMIM 600334.

Allele frequency attached by ClinVar (database versions not stated): ExAC 0.00773.

Submissions (15):

CeGaT Center for Human Genetics Tuebingen
Classification: Likely benign. Last evaluated: 2026-05-01. Review status: criteria provided, single submitter. Criteria: CeGaT Center For Human Genetics Tuebingen Variant Classification Criteria Version 2. Collection method: clinical testing. Allele origin: germline. Affected: yes. Observed: 11 variant alleles.
Comment: TTN: BP4, BS2

Labcorp Genetics (formerly Invitae), Labcorp
Classification: Benign for Dilated cardiomyopathy 1G; Autosomal recessive limb-girdle muscular dystrophy type 2J. Last evaluated: 2026-02-03. Review status: criteria provided, single submitter. Criteria: Invitae Variant Classification Sherloc (09022015). Collection method: clinical testing. Allele origin: germline.

ARUP Laboratories, Molecular Genetics and Genomics, ARUP Laboratories
Classification: Benign. Last evaluated: 2025-06-23. Review status: criteria provided, single submitter. Criteria: ARUP Molecular Germline Variant Investigation Process 2024. Collection method: clinical testing. Allele origin: germline.

Molecular Diagnostic Laboratory for Inherited Cardiovascular Disease, Montreal Heart Institute
Classification: Benign. Last evaluated: 2025-04-09. Review status: criteria provided, single submitter. Criteria: ACMG Guidelines, 2015. Collection method: clinical testing. Allele origin: germline. Affected: no.

Blueprint Genetics
Classification: Likely benign. Last evaluated: 2024-11-26. Review status: criteria provided, single submitter. Criteria: ACMG Guidelines, 2015. Collection method: clinical testing. Allele origin: germline.

Athena Diagnostics
Classification: Benign. Last evaluated: 2023-12-29. Review status: criteria provided, single submitter. Criteria: Athena Diagnostics Criteria. Collection method: clinical testing. Allele origin: unknown.

Genome-Nilou Lab
Classification: Benign for Autosomal recessive limb-girdle muscular dystrophy type 2J. Last evaluated: 2021-09-10. Review status: criteria provided, single submitter. Criteria: ACMG Guidelines, 2015. Collection method: clinical testing. Allele origin: germline. Affected: no.

Genome-Nilou Lab
Classification: Benign for Myopathy, myofibrillar, 9, with early respiratory failure. Last evaluated: 2021-09-10. Review status: criteria provided, single submitter. Criteria: ACMG Guidelines, 2015. Collection method: clinical testing. Allele origin: germline. Affected: no.

Genome-Nilou Lab
Classification: Benign for Early-onset myopathy with fatal cardiomyopathy. Last evaluated: 2021-09-10. Review status: criteria provided, single submitter. Criteria: ACMG Guidelines, 2015. Collection method: clinical testing. Allele origin: germline. Affected: no.

Genome-Nilou Lab
Classification: Benign for Tibial muscular dystrophy. Last evaluated: 2021-09-10. Review status: criteria provided, single submitter. Criteria: ACMG Guidelines, 2015. Collection method: clinical testing. Allele origin: germline. Affected: no.

GeneDx
Classification: Likely benign. Last evaluated: 2015-06-24. Review status: criteria provided, single submitter. Criteria: GeneDx Variant Classification (06012015). Collection method: clinical testing. Allele origin: germline. Affected: yes.
Comment: This variant is considered likely benign or benign based on one or more of the following criteria: it is a conservative change, it occurs at a poorly conserved position in the protein, it is predicted to be benign by multiple in silico algorithms, and/or has population frequency not consistent with disease.

Breakthrough Genomics
Classification: Likely benign. Review status: criteria provided, single submitter. Criteria: ACMG Guidelines, 2015. Collection method: not provided. Allele origin: germline. Inheritance: Autosomal recessive inheritance. Affected: yes.

Clinical Genetics DNA and cytogenetics Diagnostics Lab, Erasmus MC, Erasmus Medical Center
Classification: Benign. Review status: no assertion criteria provided. Collection method: clinical testing. Allele origin: germline. Affected: yes. Study: VKGL Data-share Consensus. Not counted in ClinVar's aggregate classification.

Diagnostic Laboratory, Department of Genetics, University Medical Center Groningen
Classification: Likely benign. Review status: no assertion criteria provided. Collection method: clinical testing. Allele origin: germline. Affected: yes. Study: VKGL Data-share Consensus. Not counted in ClinVar's aggregate classification.

Laboratory of Diagnostic Genome Analysis, Leiden University Medical Center (LUMC)
Classification: Likely benign. Review status: no assertion criteria provided. Collection method: clinical testing. Allele origin: germline. Affected: yes. Study: VKGL Data-share Consensus. Not counted in ClinVar's aggregate classification.